The following is an entry in ClinVar:

ClinVar aggregate classification (germline): Conflicting classifications of pathogenicity. Review status: criteria provided, conflicting classifications (1 of 4 stars). 2 submissions from 2 submitters: Pathogenic (1); Uncertain significance (1). Last evaluated 2025-08-01.

Conditions:
Cardiospondylocarpofacial syndrome (CSCF). Identifiers: Orphanet 3238, MedGen C2931461, MONDO:0008005, OMIM 157800.

Submissions (2):

GeneDx
Classification: Pathogenic. Last evaluated: 2025-08-01. Review status: criteria provided, single submitter. Criteria: GeneDx Variant Classification Process June 2021. Collection method: clinical testing. Allele origin: germline. Affected: yes.
Comment: Reported as a maternally-inherited variant in an infant with a suspected genetic disorder; however, clinical detail was not provided (PMID: 34930662); Not observed at significant frequency in large population cohorts (gnomAD); Published functional studies suggest a damaging effect through impaired expression and autophosphorylation (PMID: 35730652); In silico analysis supports that this missense variant has a deleterious effect on protein structure/function; This variant is associated with the following publications: (PMID: 35730652, 34930662)

HudsonAlpha Institute for Biotechnology
Classification: Uncertain significance for Cardiospondylocarpofacial syndrome. Last evaluated: 2019-01-09. Review status: criteria provided, single submitter. Criteria: ACMG Guidelines, 2015. Collection method: research. Allele origin: maternal. Observed: 1 variant allele. Study: CSER-SouthSeq.
Comment: ACMG codes: PM2, PP3, PP4

NM_145331.3(MAP3K7):c.248G>A (p.Arg83His)

Gene: MAP3K7 (mitogen-activated protein kinase kinase kinase 7; minus strand). Cytogenetic location: 6q15.
Variant type: single nucleotide variant.
Coding change: c.248G>A on transcript NM_145331.3 (MANE Select); coding-DNA position 248, G replaced by A.
Protein change: p.Arg83His; replaces arginine 83 with histidine.
Molecular consequence: missense variant.
Genome position (GRCh38, 1-based): chr6:90,568,607, C>T on the plus strand (G>A on the coding strand, the complement: MAP3K7 is on the minus strand). VCF-style: chr6-90568607-C-T. GRCh37 (hg19) VCF-style: chr6-91278326-C-T.
Other names: c.248G>A, p.Arg83His (NM_003188.4, NM_145332.3, NM_145333.3); c.248G>A (NM_145331.2); short protein forms R83H.
Identifiers: ClinVar variation 689611 (VCV000689611.3), dbSNP rs929527043, ClinGen allele CA143017447.